The following is an entry in ClinVar:

ClinVar aggregate classification (germline): Uncertain significance (1 of 4 stars; one submission).

Conditions:
IL1RAPL1-related disorder. Also called: IL1RAPL1-related condition.

Submission:

PreventionGenetics, part of Exact Sciences
Classification: Uncertain significance for IL1RAPL1-related condition. Last evaluated: 2023-08-04. Review status: criteria provided, single submitter. Criteria: ACMG Guidelines, 2015. Collection method: clinical testing. Allele origin: germline.
Comment: The IL1RAPL1 c.1198G>C variant is predicted to result in the amino acid substitution p.Gly400Arg. To our knowledge, this variant has not been reported in the literature or in a large population database, indicating this variant is rare. At this time, the clinical significance of this variant is uncertain due to the absence of conclusive functional and genetic evidence.

NM_014271.4(IL1RAPL1):c.1198G>C (p.Gly400Arg)

Gene: IL1RAPL1 (interleukin 1 receptor accessory protein like 1; plus strand). Cytogenetic location: Xp21.2.
Variant type: single nucleotide variant.
Coding change: c.1198G>C on transcript NM_014271.4 (MANE Select); coding-DNA position 1198, G replaced by C.
Protein change: p.Gly400Arg; replaces glycine 400 with arginine.
Molecular consequence: missense variant.
Genome position (GRCh38, 1-based): chrX:29,941,791, G>C. VCF-style: chrX-29941791-G-C. GRCh37 (hg19) VCF-style: chrX-29959908-G-C.
Other names: short protein forms G400R.
Identifiers: ClinVar variation 2631707 (VCV002631707.1), dbSNP rs1933133207, ClinGen allele CA412636723.